The following is an entry in ClinVar:

NM_001127208.3(TET2):c.3305A>G (p.Asn1102Ser)

Genes: TET2 (tet methylcytosine dioxygenase 2; plus strand), TET2-AS1 (TET2 antisense RNA 1; minus strand). Cytogenetic location: 4q24.
Variant type: single nucleotide variant.
Coding change: c.3305A>G on transcript NM_001127208.3 (MANE Select); coding-DNA position 3305, A replaced by G.
Protein change: p.Asn1102Ser; replaces asparagine 1102 with serine.
Molecular consequence: missense variant.
Genome position (GRCh38, 1-based): chr4:105,237,247, A>G. VCF-style: chr4-105237247-A-G. GRCh37 (hg19) VCF-style: chr4-106158404-A-G.
Other names: c.3305A>G, p.Asn1102Ser (NM_017628.4); short protein forms N1102S.
Identifiers: ClinVar variation 4594253 (VCV004594253.2).

ClinVar aggregate classification (germline): Uncertain significance (1 of 4 stars; one submission).

Submission:

Ambry Genetics
Classification: Uncertain significance. Last evaluated: 2026-01-23. Review status: criteria provided, single submitter. Criteria: Ambry Variant Classification Scheme 2023. Collection method: clinical testing. Allele origin: germline.
Comment: The p.N1102S variant (also known as c.3305A>G), located in coding exon 1 of the TET2 gene, results from an A to G substitution at nucleotide position 3305. The asparagine at codon 1102 is replaced by serine, an amino acid with highly similar properties. This amino acid position is conserved. In addition, this alteration is predicted to be tolerated by in silico analysis. Based on the available evidence, the clinical significance of this variant remains unclear.